The following is an entry in ClinVar:

ClinVar aggregate classification (germline): Uncertain significance (0 of 4 stars; one submission).

Conditions:
TINF2-related disorder. Also called: TINF2-related condition.

Allele frequency attached by ClinVar (database versions not stated): gnomAD exomes below 0.00001.

Submission:

PreventionGenetics, part of Exact Sciences
Classification: Uncertain significance for TINF2-related condition. Last evaluated: 2023-12-04. Review status: no assertion criteria provided. Collection method: clinical testing. Allele origin: germline.
Comment: The TINF2 c.1208delA variant is predicted to result in a frameshift and premature protein termination (p.Gln403Argfs*19). This variant is located in the penultimate exon and is not predicted to result in nonsense mediated decay. To our knowledge, this variant has not been reported in the literature or in a large population database, indicating this variant is rare. Although frameshift variants are expected to be pathogenic, nearly all have been reported upstream of this variant (Human Gene Mutation Database). At this time, the clinical significance of this variant is uncertain due to the absence of conclusive functional and genetic evidence.

NM_001099274.3(TINF2):c.1208del (p.Gln403fs)

Gene: TINF2 (TERF1 interacting nuclear factor 2; minus strand). Cytogenetic location: 14q12.
Variant type: Deletion.
Coding change: c.1208del on transcript NM_001099274.3 (MANE Select); coding-DNA position 1208, one base deleted (A; older notation c.1208delA).
Protein change: p.Gln403fs; shifts the reading frame from glutamine 403.
Molecular consequence: frameshift variant. On other transcripts: 3 prime UTR variant (1).
Genome position (GRCh38, 1-based): chr14:24,240,077, T deleted on the plus strand (A on the coding strand, the reverse complement: TINF2 is on the minus strand). VCF-style (leftmost placement, unchanged base first): chr14-24240076-CT-C. GRCh37 (hg19) VCF-style: chr14-24709282-CT-C.
Other names: c.1103del, p.Gln368fs (NM_001363668.2); c.*338del (NM_012461.3); short protein forms Q368fs, Q403fs.
Identifiers: ClinVar variation 3046956 (VCV003046956.2), dbSNP rs2502450301, ClinGen allele CA2624345049.